The following is an entry in ClinVar:

NM_001330260.2(SCN8A):c.4228-3C>T

Gene: SCN8A (sodium voltage-gated channel alpha subunit 8; plus strand). Cytogenetic location: 12q13.13.
Variant type: single nucleotide variant.
Coding change: c.4228-3C>T on transcript NM_001330260.2 (MANE Select); 3 bases into the intron before coding-DNA position 4228, C replaced by T.
Molecular consequence: intron variant.
Genome position (GRCh38, 1-based): chr12:51,788,692, C>T. VCF-style: chr12-51788692-C-T. GRCh37 (hg19) VCF-style: chr12-52182476-C-T.
Other names: c.4228-3C>T (NM_014191.4); c.4105-3C>T (NM_001177984.3, NM_001369788.1).
Identifiers: ClinVar variation 3656101 (VCV003656101.2).

ClinVar aggregate classification (germline): Uncertain significance (1 of 4 stars; one submission).

Conditions:
Early-infantile DEE. Also called: Ohtahara syndrome; Early infantile epileptic encephalopathy; Early infantile epileptic encephalopathy with suppression bursts. Identifiers: Orphanet 1934, MedGen C0393706, MONDO:0800491.

gnomAD v4.1: 1 of 1,604,206 alleles (0.000062%); highest among the groups gnomAD compares: Non-Finnish European, 0.000085%; no homozygotes.

Submission:

Labcorp Genetics (formerly Invitae), Labcorp
Classification: Uncertain significance for Early-infantile DEE. Last evaluated: 2024-06-15. Review status: criteria provided, single submitter. Criteria: Invitae Variant Classification Sherloc (09022015). Collection method: clinical testing. Allele origin: germline.
Comment: This sequence change falls in intron 22 of the SCN8A gene. It does not directly change the encoded amino acid sequence of the SCN8A protein. It affects a nucleotide within the consensus splice site. This variant is not present in population databases (gnomAD no frequency). This variant has not been reported in the literature in individuals affected with SCN8A-related conditions. Variants that disrupt the consensus splice site are a relatively common cause of aberrant splicing (PMID: 17576681, 9536098). Algorithms developed to predict the effect of sequence changes on RNA splicing suggest that this variant is not likely to affect RNA splicing. In summary, the available evidence is currently insufficient to determine the role of this variant in disease. Therefore, it has been classified as a Variant of Uncertain Significance.

Literature cited by the submitters: PubMed 17576681; PubMed 9536098.